The following is an entry in ClinVar:

NM_021224.6(ZNF462):c.4947C>G (p.Phe1649Leu)

Gene: ZNF462 (zinc finger protein 462; plus strand). Cytogenetic location: 9q31.2.
Variant type: single nucleotide variant.
Coding change: c.4947C>G on transcript NM_021224.6 (MANE Select); coding-DNA position 4947, C replaced by G.
Protein change: p.Phe1649Leu; replaces phenylalanine 1649 with leucine.
Molecular consequence: missense variant. On other transcripts: intron variant (1).
Genome position (GRCh38, 1-based): chr9:106,928,859, C>G. VCF-style: chr9-106928859-C-G. GRCh37 (hg19) VCF-style: chr9-109691140-C-G.
Other names: c.3253-1666C>G (NM_001347997.2); short protein forms F1649L.
Identifiers: ClinVar variation 2571869 (VCV002571869.1), dbSNP rs2538805813, ClinGen allele CA374412829.
Genomic context (GRCh38, chr9:106,928,859, plus strand): 5'-TTCCCAAGTCTCCATCACTGAGGAGGAGGTGGGAGAGGAGCCCGTGTCCACTTCTCACTT[C>G]TCTACCTCCCACCTGGTCTCCCACACTGTGTTCCGGTGCCAGCTCTGCAAGTACTTCTGC-3'
Protein context (NP_067047.4, residues 1639-1659): VGEEPVSTSH[Phe1649Leu]STSHLVSHTV

ClinVar aggregate classification (germline): Uncertain significance (1 of 4 stars; one submission).

gnomAD v4.1: 3 of 1,614,084 alleles (0.00019%); highest among the groups gnomAD compares: Non-Finnish European, 0.00025%; no homozygotes.

Submission:

GeneDx
Classification: Uncertain significance. Last evaluated: 2023-01-10. Review status: criteria provided, single submitter. Criteria: GeneDx Variant Classification Process June 2021. Collection method: clinical testing. Allele origin: germline. Affected: yes.
Comment: Not observed at significant frequency in large population cohorts (gnomAD); In silico analysis supports that this missense variant does not alter protein structure/function; Has not been previously published as pathogenic or benign to our knowledge